The following is an entry in ClinVar:

ClinVar aggregate classification (germline): Likely pathogenic (1 of 4 stars; one submission).

Conditions:
CD36-related disorder. Also called: CD36-related condition; CD36-related disorders.

Submission:

PreventionGenetics, part of Exact Sciences
Classification: Likely pathogenic for CD36-related condition. Last evaluated: 2026-03-18. Review status: criteria provided, single submitter. Criteria: ACMG Guidelines, 2015. Collection method: clinical testing. Allele origin: germline.
Comment: The CD36 c.157_158delinsG variant is predicted to result in a frameshift and premature protein termination (p.Asn53Valfs*24). This variant has been reported in the homozygous state in a patient with CD36 type I deficiency (Le Toriellec et al. 2020. PubMed ID: 32949421, referred to as c.367_368delAAinsG). Additionally, flanking chain-terminating variants affecting this exon have been associated with disease (Xu et al. 2013. PubMed ID: 23966019). Frameshift variants in CD36 are expected to be pathogenic. This variant is interpreted as likely pathogenic.

NM_001001548.3(CD36):c.157_158delinsG (p.Asn53fs)

Gene: CD36 (CD36 molecule (CD36 blood group); plus strand). Cytogenetic location: 7q21.11.
Variant type: Indel.
Coding change: c.157_158delinsG on transcript NM_001001548.3 (MANE Select); coding-DNA positions 157 to 158, AA replaced by G.
Protein change: p.Asn53fs; shifts the reading frame from asparagine 53.
Molecular consequence: frameshift variant. On other transcripts: 5 prime UTR variant (2), non-coding transcript variant (1), intron variant (2).
Genome position (GRCh38, 1-based): chr7:80,656,576-80,656,577, AA replaced by G. VCF-style: chr7-80656576-AA-G. GRCh37 (hg19) VCF-style: chr7-80285892-AA-G.
Other names: c.157_158delinsG, p.Asn53fs (NM_000072.3, NM_001001547.3, NM_001127443.2 and 7 more transcripts); c.-72_-71delinsG (NM_001289911.2); c.-326_-325delinsG (NM_001371081.1); c.-184-4487_-184-4486delinsG (NM_001371080.1); c.121-66_121-65delinsG (NM_001371079.1); short protein forms N53fs.
Identifiers: ClinVar variation 3041737 (VCV003041737.3), dbSNP rs2535739173, ClinGen allele CA2695207835.